The following is an entry in ClinVar:

ClinVar aggregate classification (germline): Pathogenic. Review status: reviewed by expert panel (3 of 4 stars). 4 submissions from 4 submitters: Pathogenic (1). 3 of the submissions do not count toward it. Last evaluated 2016-10-18.

Conditions:
Breast-ovarian cancer, familial, susceptibility to, 2 (BROVCA2). Also called: BRCA2 Hereditary Breast and Ovarian Cancer. Identifiers: Orphanet 145, MedGen C2675520, MONDO:0012933, OMIM 612555. Disease mechanism: loss of function.
Hereditary breast ovarian cancer syndrome. Also called: BRCA1- and BRCA2-Associated Hereditary Breast and Ovarian Cancer; Hereditary breast and ovarian cancer; Breast and ovarian cancer; Hereditary breast and/or ovarian cancer syndrome; Hereditary breast and ovarian cancer syndrome; Hereditary breast and ovarian cancer syndrome (HBOC). Identifiers: Orphanet 145, MedGen C0677776, MeSH D061325, MONDO:0003582. Disease mechanism: loss of function.

Submissions (4):

Evidence-based Network for the Interpretation of Germline Mutant Alleles (ENIGMA)
Classification: Pathogenic for Breast-ovarian cancer, familial, susceptibility to, 2. Last evaluated: 2016-10-18. Review status: reviewed by expert panel. Criteria: ENIGMA BRCA1/2 Classification Criteria (2015). Collection method: curation. Allele origin: germline.
Comment: Variant allele predicted to encode a truncated non-functional protein.

Labcorp Genetics (formerly Invitae), Labcorp
Classification: Pathogenic for Hereditary breast ovarian cancer syndrome. Last evaluated: 2025-03-24. Review status: criteria provided, single submitter. Criteria: Invitae Variant Classification Sherloc (09022015). Collection method: clinical testing. Allele origin: germline. Not counted in ClinVar's aggregate classification.
Comment: This sequence change creates a premature translational stop signal (p.Lys2162Thrfs*13) in the BRCA2 gene. It is expected to result in an absent or disrupted protein product. Loss-of-function variants in BRCA2 are known to be pathogenic (PMID: 20104584). This variant is present in population databases (no rsID available, gnomAD 0.006%). This premature translational stop signal has been observed in individual(s) with high risk of breast and/or ovarian cancer (PMID: 26187060, 29446198). ClinVar contains an entry for this variant (Variation ID: 266951). For these reasons, this variant has been classified as Pathogenic.

Women's Health and Genetics/Laboratory Corporation of America, LabCorp
Classification: Pathogenic for Hereditary breast ovarian cancer syndrome. Last evaluated: 2023-05-12. Review status: criteria provided, single submitter. Criteria: LabCorp Variant Classification Summary - May 2015. Collection method: clinical testing. Allele origin: germline. Not counted in ClinVar's aggregate classification.
Comment: Variant summary: BRCA2 c.6485_6486delAA (p.Lys2162ThrfsX13) results in a premature termination codon, predicted to cause a truncation of the encoded protein or absence of the protein due to nonsense mediated decay, which are commonly known mechanisms for disease. The variant allele was found at a frequency of 4.3e-06 in 232440 control chromosomes (gnomAD). c.6485_6486delAA has been reported in the literature in individuals affected with Breast Cancer (e.g. Kwong_2016, Slavin_2018, Rebbeck_2018, Feliubadalo_2019). These data indicate that the variant is likely to be associated with disease. To our knowledge, no experimental evidence demonstrating an impact on protein function has been reported. The following publications have been ascertained in the context of this evaluation (PMID: 30927264, 26187060, 29446198, 30339520). Three ClinVar submitters, including one expert panel (ENIGMA), have assessed the variant since 2014: all have classified the variant as pathogenic. Based on the evidence outlined above, the variant was classified as pathogenic.

Consortium of Investigators of Modifiers of BRCA1/2 (CIMBA), c/o University of Cambridge
Classification: Pathogenic for Breast-ovarian cancer, familial, susceptibility to, 2. Last evaluated: 2015-10-02. Review status: criteria provided, single submitter. Criteria: CIMBA Mutation Classification guidelines May 2016. Collection method: clinical testing. Allele origin: germline. Not counted in ClinVar's aggregate classification.

Literature cited by the submitters: PubMed 20104584 (cited by Labcorp Genetics (formerly Invitae), Labcorp); PubMed 26187060 (cited by Labcorp Genetics (formerly Invitae), Labcorp and Women's Health and Genetics/Laboratory Corporation of America, LabCorp); PubMed 29446198 (cited by Labcorp Genetics (formerly Invitae), Labcorp and Women's Health and Genetics/Laboratory Corporation of America, LabCorp); PubMed 30927264 (cited by Women's Health and Genetics/Laboratory Corporation of America, LabCorp); PubMed 30339520 (cited by Women's Health and Genetics/Laboratory Corporation of America, LabCorp).

NM_000059.4(BRCA2):c.6485_6486del (p.Lys2162fs)

Gene: BRCA2 (BRCA2 DNA repair associated; plus strand). Cytogenetic location: 13q13.1.
Variant type: Deletion.
Coding change: c.6485_6486del on transcript NM_000059.4 (MANE Select); coding-DNA positions 6485 to 6486, 2 bases deleted (AA; older notation c.6485_6486delAA).
Protein change: p.Lys2162fs; shifts the reading frame from lysine 2162.
Molecular consequence: frameshift variant.
Genome position (GRCh38, 1-based): chr13:32,340,840-32,340,841, AA deleted; deleting any 2 consecutive bases within chr13:32,340,839-32,340,841 gives the same sequence; the c. name uses the placement nearest the transcript's 3' end. VCF-style (leftmost placement, unchanged base first): chr13-32340838-CAA-C. GRCh37 (hg19) VCF-style: chr13-32914975-CAA-C.
Other names: 6713delAA; c.6485_6486delAA (NM_000059.3); short protein forms K2162fs.
Identifiers: ClinVar variation 266951 (VCV000266951.16), dbSNP rs886040659, ClinGen allele CA10589380.